The following is an entry in ClinVar:

NM_005219.5(DIAPH1):c.1779C>T (p.Gly593=)

Gene: DIAPH1 (diaphanous related formin 1; minus strand). Cytogenetic location: 5q31.3.
Variant type: single nucleotide variant.
Coding change: c.1779C>T on transcript NM_005219.5 (MANE Select); coding-DNA position 1779, C replaced by T.
Protein change: p.Gly593=; no amino-acid change (glycine 593 retained).
Molecular consequence: synonymous variant.
Genome position (GRCh38, 1-based): chr5:141,574,071, G>A on the plus strand (C>T on the coding strand, the complement: DIAPH1 is on the minus strand). VCF-style: chr5-141574071-G-A. GRCh37 (hg19) VCF-style: chr5-140953638-G-A.
Other names: c.1752C>T, p.Gly584= (NM_001079812.3); c.1779C>T, p.Gly593= (NM_001314007.2).
Identifiers: ClinVar variation 2040821 (VCV002040821.4), dbSNP rs2513741943, ClinGen allele CA446892338.

ClinVar aggregate classification (germline): Uncertain significance (1 of 4 stars; one submission).

Conditions:
Progressive microcephaly-seizures-cortical blindness-developmental delay syndrome. Also called: Seizures, cortical blindness, and microcephaly syndrome. Identifiers: Orphanet 477814, MedGen C5567650, MONDO:0014714, OMIM 616632.
Autosomal dominant nonsyndromic hearing loss 1. Also called: DEAFNESS, AUTOSOMAL DOMINANT 1, WITH OR WITHOUT THROMBOCYTOPENIA; KONIGSMARK SYNDROME. Identifiers: Orphanet 90635, MedGen C1852282, MONDO:0007424, OMIM 124900.

Allele frequency attached by ClinVar (database versions not stated): gnomAD exomes below 0.00001.
gnomAD v4.1: 1 of 1,610,524 alleles (0.000062%); highest among the groups gnomAD compares: Non-Finnish European, 0.000085%; no homozygotes.

Submission:

Labcorp Genetics (formerly Invitae), Labcorp
Classification: Uncertain significance for Progressive microcephaly-seizures-cortical blindness-developmental delay syndrome; Autosomal dominant nonsyndromic hearing loss 1. Last evaluated: 2025-05-12. Review status: criteria provided, single submitter. Criteria: Invitae Variant Classification Sherloc (09022015). Collection method: clinical testing. Allele origin: germline.
Comment: This sequence change affects codon 593 of the DIAPH1 mRNA. It is a 'silent' change, meaning that it does not change the encoded amino acid sequence of the DIAPH1 protein. This variant is not present in population databases (gnomAD no frequency). This variant has not been reported in the literature in individuals affected with DIAPH1-related conditions. ClinVar contains an entry for this variant (Variation ID: 2040821). Algorithms developed to predict the effect of sequence changes on RNA splicing suggest that this variant may create or strengthen a splice site. In summary, the available evidence is currently insufficient to determine the role of this variant in disease. Therefore, it has been classified as a Variant of Uncertain Significance.